The following is an entry in ClinVar:

NM_004415.4(DSP):c.1487C>T (p.Thr496Met)

Gene: DSP (desmoplakin; plus strand). Cytogenetic location: 6p24.3.
Variant type: single nucleotide variant.
Coding change: c.1487C>T on transcript NM_004415.4 (MANE Select); coding-DNA position 1487, C replaced by T.
Protein change: p.Thr496Met; replaces threonine 496 with methionine.
Molecular consequence: missense variant.
Genome position (GRCh38, 1-based): chr6:7,569,253, C>T. VCF-style: chr6-7569253-C-T. GRCh37 (hg19) VCF-style: chr6-7569486-C-T.
Other names: c.1487C>T, p.Thr496Met (NM_001008844.3, NM_001319034.2); short protein forms T496M.
Identifiers: ClinVar variation 925439 (VCV000925439.12), dbSNP rs374283517, ClinGen allele CA028416.

ClinVar aggregate classification (germline): Conflicting classifications of pathogenicity. Review status: criteria provided, conflicting classifications (1 of 4 stars). 4 submissions from 4 submitters: Uncertain significance (3); Likely benign (1). Last evaluated 2025-12-22.

Conditions:
Cardiomyopathy (CMYO). Also called: Cardiomyopathies. Identifiers: Orphanet 167848, MedGen C0878544, MONDO:0004994, HP:0001638. Inheritance: Various modes of inheritance.
Arrhythmogenic cardiomyopathy with wooly hair and keratoderma. Also called: Carvajal syndrome; PALMOPLANTAR KERATODERMA WITH LEFT VENTRICULAR CARDIOMYOPATHY AND WOOLLY HAIR; Dilated cardiomyopathy with woolly hair and keratoderma; Arrhythmogenic cardiomyopathy with woolly hair and keratoderma. Identifiers: Orphanet 65282, MedGen C1854063, MONDO:0011581, OMIM 605676.
Arrhythmogenic right ventricular dysplasia 8 (ARVD8). Also called: Arrhythmogenic Right Ventricular Dysplasia/Cardiomyopathy 8; ARRHYTHMOGENIC RIGHT VENTRICULAR DYSPLASIA, FAMILIAL, 8; ARRHYTHMOGENIC RIGHT VENTRICULAR CARDIOMYOPATHY 8. Identifiers: MedGen C1843896, MONDO:0011831, OMIM 607450.

Allele frequency attached by ClinVar (database versions not stated): TOPMed below 0.00001; ExAC 0.00002; gnomAD exomes 0.00002 and 0.00003; ESP Exome Variant Server 0.00008.
gnomAD v4.1: 31 of 1,614,148 alleles (0.0019%); highest among the groups gnomAD compares: East Asian, 0.0067%; no homozygotes.

Submissions (4):

Labcorp Genetics (formerly Invitae), Labcorp
Classification: Likely benign for Arrhythmogenic cardiomyopathy with wooly hair and keratoderma; Arrhythmogenic right ventricular dysplasia 8. Last evaluated: 2025-12-22. Review status: criteria provided, single submitter. Criteria: Invitae Variant Classification Sherloc (09022015). Collection method: clinical testing. Allele origin: germline.

Color Diagnostics, LLC DBA Color Health
Classification: Uncertain significance for Cardiomyopathy. Last evaluated: 2024-05-13. Review status: criteria provided, single submitter. Criteria: ACMG Guidelines, 2015. Collection method: clinical testing. Allele origin: germline.
Comment: This missense variant replaces threonine with methionine at codon 496 of the DSP protein. Computational prediction suggests that this variant may not impact protein structure and function (internally defined REVEL score threshold <= 0.5, PMID: 27666373). To our knowledge, functional studies have not been reported for this variant. This variant has not been reported in individuals affected with DSP-related disorders in the literature. This variant has been identified in 8/251456 chromosomes in the general population by the Genome Aggregation Database (gnomAD). The available evidence is insufficient to determine the role of this variant in disease conclusively. Therefore, this variant is classified as a Variant of Uncertain Significance.

GeneDx
Classification: Uncertain significance. Last evaluated: 2023-10-26. Review status: criteria provided, single submitter. Criteria: GeneDx Variant Classification Process June 2021. Collection method: clinical testing. Allele origin: germline. Affected: yes.
Comment: Has not been previously published as pathogenic or benign to our knowledge; In silico analysis supports that this missense variant does not alter protein structure/function

Blueprint Genetics
Classification: Uncertain significance. Last evaluated: 2023-03-24. Review status: criteria provided, single submitter. Criteria: ACMG Guidelines, 2015. Collection method: clinical testing. Allele origin: germline.